The following is an entry in ClinVar:

ClinVar aggregate classification (germline): Benign/Likely benign. Review status: criteria provided, multiple submitters, no conflicts (2 of 4 stars). 3 submissions from 3 submitters: Benign (1); Likely benign (2). Last evaluated 2026-08-18.

Conditions:
Hereditary cancer-predisposing syndrome. Also called: Hereditary Cancer Syndrome; Hereditary neoplastic syndrome; Neoplastic Syndromes, Hereditary; Tumor predisposition. Identifiers: Orphanet 140162, MedGen C0027672, MeSH D009386, MONDO:0015356.
DICER1-related tumor predisposition. Also called: DICER1-related pleuropulmonary blastoma cancer predisposition syndrome; DICER1 syndrome. Identifiers: Orphanet 284343, MedGen C3839822, MONDO:0100216.

Submissions (3):

Myriad Genetics, Inc.
Classification: Benign for DICER1-related tumor predisposition. Last evaluated: 2026-08-18. Review status: criteria provided, single submitter. Criteria: Myriad Autosomal Dominant, Autosomal Recessive and X-Linked Classification Criteria (2023). Collection method: clinical testing. Allele origin: unknown.
Comment: This variant is considered benign. This variant is a silent/synonymous amino acid change and it is not expected to impact splicing.

Labcorp Genetics (formerly Invitae), Labcorp
Classification: Likely benign for DICER1-related tumor predisposition. Last evaluated: 2025-01-06. Review status: criteria provided, single submitter. Criteria: Invitae Variant Classification Sherloc (09022015). Collection method: clinical testing. Allele origin: germline.

Ambry Genetics
Classification: Likely benign for Hereditary cancer-predisposing syndrome. Last evaluated: 2023-10-22. Review status: criteria provided, single submitter. Criteria: Ambry Variant Classification Scheme 2023. Collection method: clinical testing. Allele origin: germline.

NM_177438.3(DICER1):c.1803T>C (p.Ile601=)

Gene: DICER1 (dicer 1, ribonuclease III; minus strand). Cytogenetic location: 14q32.13.
Variant type: single nucleotide variant.
Coding change: c.1803T>C on transcript NM_177438.3 (MANE Select); coding-DNA position 1803, T replaced by C.
Protein change: p.Ile601=; no amino-acid change (isoleucine 601 retained).
Molecular consequence: synonymous variant.
Genome position (GRCh38, 1-based): chr14:95,115,771, A>G on the plus strand (T>C on the coding strand, the complement: DICER1 is on the minus strand). VCF-style: chr14-95115771-A-G. GRCh37 (hg19) VCF-style: chr14-95582108-A-G.
Other names: c.1803T>C, p.Ile601= (NM_001195573.1, NM_001271282.3, NM_001291628.2 and 1 more transcripts).
Identifiers: ClinVar variation 417059 (VCV000417059.13), dbSNP rs1060504962, ClinGen allele CA16614254.